The following is an entry in ClinVar:

ClinVar aggregate classification (germline): Uncertain significance (1 of 4 stars; one submission).

Conditions:
Holoprosencephaly 5 (HPE5). Identifiers: Orphanet 2162, MedGen C1864827, MONDO:0012322, OMIM 609637.

Submission:

Labcorp Genetics (formerly Invitae), Labcorp
Classification: Uncertain significance for Holoprosencephaly 5. Last evaluated: 2024-05-02. Review status: criteria provided, single submitter. Criteria: Invitae Variant Classification Sherloc (09022015). Collection method: clinical testing. Allele origin: germline.
Comment: This variant, c.95_100dup, results in the insertion of 2 amino acid(s) of the ZIC2 protein (p.Ala32_Ala33dup), but otherwise preserves the integrity of the reading frame. This variant is not present in population databases (gnomAD no frequency). This variant has not been reported in the literature in individuals affected with ZIC2-related conditions. In summary, the available evidence is currently insufficient to determine the role of this variant in disease. Therefore, it has been classified as a Variant of Uncertain Significance.

NM_007129.5(ZIC2):c.95CCG[4] (p.Ala33_Glu34insAlaAla)

Gene: ZIC2 (Zic family zinc finger 2; plus strand). Cytogenetic location: 13q32.3.
Variant type: Microsatellite.
Coding change: c.95CCG[4] on transcript NM_007129.5 (MANE Select); four copies in a row of the 3-base unit CCG starting at c.95; the reference has two copies in a row; two copies, 6 bases duplicated.
Protein change: p.Ala33_Glu34insAlaAla.
Molecular consequence: inframe insertion.
Genome position (GRCh38, 1-based): chr13:99,982,159-99,982,164, CCGCCG duplicated; duplicating any 6 consecutive bases within chr13:99,982,158-99,982,164 gives the same sequence; the position shown is the placement nearest the transcript's 3' end. VCF-style (leftmost placement, unchanged base first): chr13-99982157-T-TGCCGCC. GRCh37 (hg19) VCF-style: chr13-100634411-T-TGCCGCC.
Identifiers: ClinVar variation 3013771 (VCV003013771.3), dbSNP rs773375123, ClinGen allele CA2623551724.